The following is an entry in ClinVar:

ClinVar aggregate classification (germline): Uncertain significance (1 of 4 stars; one submission).

Conditions:
Cardiovascular phenotype. Identifiers: MedGen CN230736.

gnomAD v4.1: 2 of 1,211,951 alleles (0.00017%); highest among the groups gnomAD compares: South Asian, 0.0035%; no homozygotes.

Submission:

Ambry Genetics
Classification: Uncertain significance for Cardiovascular phenotype. Last evaluated: 2025-04-23. Review status: criteria provided, single submitter. Criteria: Ambry Variant Classification Scheme 2023. Collection method: clinical testing. Allele origin: germline.
Comment: The p.L2383S variant (also known as c.7148T>C), located in coding exon 49 of the DMD gene, results from a T to C substitution at nucleotide position 7148. The leucine at codon 2383 is replaced by serine, an amino acid with dissimilar properties. Based on data from gnomAD, the C allele has an overall frequency of 0.0005% (1/183391) total alleles studied, with 1 hemizygote(s) observed. The highest observed frequency was 0.0052% (1/19078) of South Asian alleles. This amino acid position is highly conserved in available vertebrate species. In addition, the in silico prediction for this alteration is inconclusive. Based on the available evidence, the clinical significance of this variant remains unclear.

NM_004006.3(DMD):c.7148T>C (p.Leu2383Ser)

Gene: DMD (dystrophin; minus strand). Cytogenetic location: Xp21.1.
Variant type: single nucleotide variant.
Coding change: c.7148T>C on transcript NM_004006.3 (MANE Select); coding-DNA position 7148, T replaced by C.
Protein change: p.Leu2383Ser; replaces leucine 2383 with serine.
Molecular consequence: missense variant. On other transcripts: 5 prime UTR variant (5).
Genome position (GRCh38, 1-based): chrX:31,836,770, A>G on the plus strand (T>C on the coding strand, the complement: DMD is on the minus strand). VCF-style: chrX-31836770-A-G. GRCh37 (hg19) VCF-style: chrX-31854887-A-G.
Other names: c.7124T>C, p.Leu2375Ser (NM_000109.4); c.7136T>C, p.Leu2379Ser (NM_004009.3); c.6779T>C, p.Leu2260Ser (NM_004010.3); c.3125T>C, p.Leu1042Ser (NM_004011.4); c.3116T>C, p.Leu1039Ser (NM_004012.4); c.-233T>C (NM_004013.3, NM_004020.4, NM_004021.3 and 2 more transcripts); short protein forms L1039S, L2260S, L2383S, L1042S, L2379S, L2375S.
Identifiers: ClinVar variation 4012241 (VCV004012241.1).